The following is an entry in ClinVar:

ClinVar aggregate classification (germline): Uncertain significance (1 of 4 stars; one submission).

Allele frequency attached by ClinVar (database versions not stated): gnomAD exomes below 0.00001.
gnomAD v4.1: 1 of 1,536,186 alleles (0.000065%); highest among the groups gnomAD compares: Non-Finnish European, 0.000088%; no homozygotes.

Submission:

Women's Health and Genetics/Laboratory Corporation of America, LabCorp
Classification: Uncertain significance. Last evaluated: 2024-01-07. Review status: criteria provided, single submitter. Criteria: LabCorp Variant Classification Summary - May 2015. Collection method: clinical testing. Allele origin: germline.
Comment: Variant summary: LMNB2 c.151C>T (p.Arg51Cys) results in a non-conservative amino acid change located in the Intermediate filament, rod domain (IPR039008) of the encoded protein sequence. Two of four in-silico tools predict a benign effect of the variant on protein function. The frequency data for this variant in gnomAD is considered unreliable, as metrics indicate poor data quality at this position. To our knowledge, no occurrence of c.151C>T in individuals affected with LMNB2-Related Disorders and no experimental evidence demonstrating its impact on protein function have been reported. No submitters have cited clinical-significance assessments for this variant to ClinVar. Based on the evidence outlined above, the variant was classified as uncertain significance.

NM_032737.4(LMNB2):c.151C>T (p.Arg51Cys)

Gene: LMNB2 (lamin B2; minus strand). Cytogenetic location: 19p13.3.
Variant type: single nucleotide variant.
Coding change: c.151C>T on transcript NM_032737.4 (MANE Select); coding-DNA position 151, C replaced by T.
Protein change: p.Arg51Cys; replaces arginine 51 with cysteine.
Molecular consequence: missense variant.
Genome position (GRCh38, 1-based): chr19:2,456,783, G>A on the plus strand (C>T on the coding strand, the complement: LMNB2 is on the minus strand). VCF-style: chr19-2456783-G-A. GRCh37 (hg19) VCF-style: chr19-2456781-G-A.
Other names: short protein forms R51C.
Identifiers: ClinVar variation 3063796 (VCV003063796.1), dbSNP rs2512249623, ClinGen allele CA403259954.